The following is an entry in ClinVar:

ClinVar aggregate classification (germline): Uncertain significance. Review status: criteria provided, multiple submitters, no conflicts (2 of 4 stars). 3 submissions from 3 submitters: Uncertain significance (3). Last evaluated 2026-02-12.

Conditions:
Primary immunodeficiency with post-measles-mumps-rubella vaccine viral infection. Also called: Immunodeficiency 44. Identifiers: Orphanet 431166, MedGen C4225260, MONDO:0014715, OMIM 616636.

Allele frequency attached by ClinVar (database versions not stated): TOPMed 0.00013; ESP Exome Variant Server 0.00015; 1000 Genomes Project 30x 0.00016.

Submissions (3):

Women's Health and Genetics/Laboratory Corporation of America, LabCorp
Classification: Uncertain significance. Last evaluated: 2026-02-12. Review status: criteria provided, single submitter. Criteria: LabCorp Variant Classification Summary - May 2015. Collection method: clinical testing. Allele origin: germline.
Comment: Variant summary: STAT2 c.1466C>A (p.Pro489His) results in a non-conservative amino acid change in the encoded protein sequence. Algorithms developed to predict the effect of missense changes on protein structure and function all suggest that this variant is likely to be disruptive. The variant allele was found at a frequency of 8.8e-05 in 249652 control chromosomes. This frequency is not significantly higher than estimated for disease-causing variants in STAT2, allowing no conclusion about variant significance. To our knowledge, no occurrence of c.1466C>A in individuals affected with STAT2-related conditions and no experimental evidence demonstrating its impact on protein function have been reported. ClinVar contains an entry for this variant (Variation ID: 845773). Based on the evidence outlined above, the variant was classified as uncertain significance.

Labcorp Genetics (formerly Invitae), Labcorp
Classification: Uncertain significance for Primary immunodeficiency with post-measles-mumps-rubella vaccine viral infection. Last evaluated: 2022-08-23. Review status: criteria provided, single submitter. Criteria: Invitae Variant Classification Sherloc (09022015). Collection method: clinical testing. Allele origin: germline.
Comment: This sequence change replaces proline, which is neutral and non-polar, with histidine, which is basic and polar, at codon 489 of the STAT2 protein (p.Pro489His). This variant is present in population databases (rs138681270, gnomAD 0.02%). This variant has not been reported in the literature in individuals affected with STAT2-related conditions. ClinVar contains an entry for this variant (Variation ID: 845773). Advanced modeling of protein sequence and biophysical properties (such as structural, functional, and spatial information, amino acid conservation, physicochemical variation, residue mobility, and thermodynamic stability) performed at Invitae indicates that this missense variant is expected to disrupt STAT2 protein function. In summary, the available evidence is currently insufficient to determine the role of this variant in disease. Therefore, it has been classified as a Variant of Uncertain Significance.

Breakthrough Genomics
Classification: Uncertain significance. Review status: criteria provided, single submitter. Criteria: ACMG Guidelines, 2015. Collection method: not provided. Allele origin: germline. Inheritance: Autosomal recessive inheritance. Affected: yes.

NM_005419.4(STAT2):c.1466C>A (p.Pro489His)

Gene: STAT2 (signal transducer and activator of transcription 2; minus strand). Cytogenetic location: 12q13.3.
Variant type: single nucleotide variant.
Coding change: c.1466C>A on transcript NM_005419.4 (MANE Select); coding-DNA position 1466, C replaced by A.
Protein change: p.Pro489His; replaces proline 489 with histidine.
Molecular consequence: missense variant.
Genome position (GRCh38, 1-based): chr12:56,349,034, G>T on the plus strand (C>A on the coding strand, the complement: STAT2 is on the minus strand). VCF-style: chr12-56349034-G-T. GRCh37 (hg19) VCF-style: chr12-56742818-G-T.
Other names: c.1454C>A, p.Pro485His (NM_198332.2); short protein forms P489H, P485H.
Identifiers: ClinVar variation 845773 (VCV000845773.7), dbSNP rs138681270, ClinGen allele CA6630492.